The following is an entry in ClinVar:

NM_002439.5(MSH3):c.3163T>G (p.Phe1055Val)

Gene: MSH3 (mutS homolog 3; plus strand). Cytogenetic location: 5q14.1.
Variant type: single nucleotide variant.
Coding change: c.3163T>G on transcript NM_002439.5 (MANE Select); coding-DNA position 3163, T replaced by G.
Protein change: p.Phe1055Val; replaces phenylalanine 1055 with valine.
Molecular consequence: missense variant.
Genome position (GRCh38, 1-based): chr5:80,873,148, T>G. VCF-style: chr5-80873148-T-G. GRCh37 (hg19) VCF-style: chr5-80168967-T-G.
Other names: short protein forms F1055V.
Identifiers: ClinVar variation 3222288 (VCV003222288.3), dbSNP rs2478804964, ClinGen allele CA360346851.
Genomic context (GRCh38, chr5:80,873,148, plus strand): 5'-GTTTTGATCTCCTTTCTTTATTTCACAGGCGCAGCAGAACAAGTCCCTGATTTTGTCACC[T>G]TCCTTTACCAAATAACTAGAGGAATTGCAGCAAGGAGTTATGGATTAAATGTGGCTAAAC-3'
Protein context (NP_002430.3, residues 1045-1065): AAEQVPDFVT[Phe1055Val]LYQITRGIAA

ClinVar aggregate classification (germline): Uncertain significance. Review status: criteria provided, multiple submitters, no conflicts (2 of 4 stars). 2 submissions from 2 submitters: Uncertain significance (2). Last evaluated 2024-07-02.

Conditions:
Hereditary cancer-predisposing syndrome. Also called: Tumor predisposition; Hereditary neoplastic syndrome; Hereditary Cancer Syndrome; Neoplastic Syndromes, Hereditary. Identifiers: Orphanet 140162, MedGen C0027672, MeSH D009386, MONDO:0015356.

Submissions (2):

Labcorp Genetics (formerly Invitae), Labcorp
Classification: Uncertain significance. Last evaluated: 2024-07-02. Review status: criteria provided, single submitter. Criteria: Invitae Variant Classification Sherloc (09022015). Collection method: clinical testing. Allele origin: germline.
Comment: This sequence change replaces phenylalanine, which is neutral and non-polar, with valine, which is neutral and non-polar, at codon 1055 of the MSH3 protein (p.Phe1055Val). This variant is not present in population databases (gnomAD no frequency). This variant has not been reported in the literature in individuals affected with MSH3-related conditions. An algorithm developed to predict the effect of missense changes on protein structure and function (PolyPhen-2) suggests that this variant is likely to be disruptive. In summary, the available evidence is currently insufficient to determine the role of this variant in disease. Therefore, it has been classified as a Variant of Uncertain Significance.

Ambry Genetics
Classification: Uncertain significance for Hereditary cancer-predisposing syndrome. Last evaluated: 2023-11-19. Review status: criteria provided, single submitter. Criteria: Ambry Variant Classification Scheme 2023. Collection method: clinical testing. Allele origin: germline.
Comment: The p.F1055V variant (also known as c.3163T>G), located in coding exon 23 of the MSH3 gene, results from a T to G substitution at nucleotide position 3163. The phenylalanine at codon 1055 is replaced by valine, an amino acid with highly similar properties. This amino acid position is conserved. In addition, this alteration is predicted to be deleterious by in silico analysis. Since supporting evidence is limited at this time, the clinical significance of this alteration remains unclear.